The following is an entry in ClinVar:

NM_020693.4(DSCAML1):c.3980+4T>C

Gene: DSCAML1 (DS cell adhesion molecule like 1; minus strand). Cytogenetic location: 11q23.3.
Variant type: single nucleotide variant.
Coding change: c.3980+4T>C on transcript NM_020693.4 (MANE Select); 4 bases into the intron after coding-DNA position 3980, T replaced by C.
Molecular consequence: intron variant.
Genome position (GRCh38, 1-based): chr11:117,439,815, A>G on the plus strand (T>C on the coding strand, the complement: DSCAML1 is on the minus strand). VCF-style: chr11-117439815-A-G. GRCh37 (hg19) VCF-style: chr11-117310531-A-G.
Identifiers: ClinVar variation 1959386 (VCV001959386.5), dbSNP rs1425901849, ClinGen allele CA672232314.

ClinVar aggregate classification (germline): Uncertain significance (1 of 4 stars; one submission).

gnomAD v4.1: 3 of 1,613,030 alleles (0.00019%); highest among the groups gnomAD compares: Admixed American, 0.0017%; no homozygotes.

Submission:

Labcorp Genetics (formerly Invitae), Labcorp
Classification: Uncertain significance. Last evaluated: 2022-11-15. Review status: criteria provided, single submitter. Criteria: Invitae Variant Classification Sherloc (09022015). Collection method: clinical testing. Allele origin: germline.
Comment: This sequence change falls in intron 22 of the DSCAML1 gene. It does not directly change the encoded amino acid sequence of the DSCAML1 protein. It affects a nucleotide within the consensus splice site. This variant is not present in population databases (gnomAD no frequency). This variant has not been reported in the literature in individuals affected with DSCAML1-related conditions. Variants that disrupt the consensus splice site are a relatively common cause of aberrant splicing (PMID: 17576681, 9536098). Algorithms developed to predict the effect of sequence changes on RNA splicing suggest that this variant is not likely to affect RNA splicing. In summary, the available evidence is currently insufficient to determine the role of this variant in disease. Therefore, it has been classified as a Variant of Uncertain Significance.

Literature cited by the submitters: PubMed 17576681; PubMed 9536098.